The following is an entry in ClinVar:

ClinVar aggregate classification (germline): Uncertain significance. Review status: criteria provided, multiple submitters, no conflicts (2 of 4 stars). 2 submissions from 2 submitters: Uncertain significance (2). Last evaluated 2024-02-23.

Conditions:
Mendelian susceptibility to mycobacterial diseases due to complete IL12RB1 deficiency. Also called: IL12RB1 DEFICIENCY; Immunodeficiency 30. Identifiers: Orphanet 319552, MedGen C4013949, MONDO:0013955, OMIM 614891.

Allele frequency attached by ClinVar (database versions not stated): gnomAD exomes 0.00003; ExAC 0.00005; TOPMed 0.00003.
gnomAD v4.1: 36 of 1,612,768 alleles (0.0022%); highest among the groups gnomAD compares: Middle Eastern, 0.033%; no homozygotes.

Submissions (2):

Labcorp Genetics (formerly Invitae), Labcorp
Classification: Uncertain significance for Mendelian susceptibility to mycobacterial diseases due to complete IL12RB1 deficiency. Last evaluated: 2024-02-23. Review status: criteria provided, single submitter. Criteria: Invitae Variant Classification Sherloc (09022015). Collection method: clinical testing. Allele origin: germline.
Comment: This sequence change affects codon 539 of the IL12RB1 mRNA. It is a 'silent' change, meaning that it does not change the encoded amino acid sequence of the IL12RB1 protein. It affects a nucleotide within the consensus splice site. This variant is present in population databases (rs778430238, gnomAD 0.007%). This variant has not been reported in the literature in individuals affected with IL12RB1-related conditions. ClinVar contains an entry for this variant (Variation ID: 891553). Algorithms developed to predict the effect of sequence changes on RNA splicing suggest that this variant is not likely to affect RNA splicing. In summary, the available evidence is currently insufficient to determine the role of this variant in disease. Therefore, it has been classified as a Variant of Uncertain Significance.

Illumina Laboratory Services, Illumina
Classification: Uncertain significance for Mendelian susceptibility to mycobacterial diseases due to complete IL12RB1 deficiency. Last evaluated: 2018-01-13. Review status: criteria provided, single submitter. Criteria: ICSL Variant Classification Criteria 13 December 2019. Collection method: clinical testing. Allele origin: germline.

NM_005535.3(IL12RB1):c.1617C>T (p.Ile539=)

Gene: IL12RB1 (interleukin 12 receptor subunit beta 1; minus strand). Cytogenetic location: 19p13.11.
Variant type: single nucleotide variant.
Coding change: c.1617C>T on transcript NM_005535.3 (MANE Select); coding-DNA position 1617, C replaced by T.
Protein change: p.Ile539=; no amino-acid change (isoleucine 539 retained).
Molecular consequence: synonymous variant.
Genome position (GRCh38, 1-based): chr19:18,063,877, G>A on the plus strand (C>T on the coding strand, the complement: IL12RB1 is on the minus strand). VCF-style: chr19-18063877-G-A. GRCh37 (hg19) VCF-style: chr19-18174687-G-A.
Other names: c.1617C>T, p.Ile539= (NM_001290023.2); c.1737C>T, p.Ile579= (NM_001290024.2).
Identifiers: ClinVar variation 891553 (VCV000891553.7), dbSNP rs778430238, ClinGen allele CA9304781.